The following is an entry in ClinVar:

ClinVar aggregate classification (germline): Uncertain significance (1 of 4 stars; one submission).

Conditions:
Mucopolysaccharidosis, MPS-III-A (MPS3A). Also called: HEPARAN SULFATE SULFATASE DEFICIENCY; SANFILIPPO SYNDROME A; SULFAMIDASE DEFICIENCY; MPS III A; MPS IIIA (Sanfilippo Syndrome Type A); Mucopolysaccharidosis type IIIA (Sanfilippo A). Identifiers: Orphanet 581, Orphanet 79269, MedGen C0086647, MONDO:0009655, OMIM 252900.

Submission:

Labcorp Genetics (formerly Invitae), Labcorp
Classification: Uncertain significance for Mucopolysaccharidosis, MPS-III-A. Last evaluated: 2022-02-10. Review status: criteria provided, single submitter. Criteria: Invitae Variant Classification Sherloc (09022015). Collection method: clinical testing. Allele origin: germline.
Comment: In summary, the available evidence is currently insufficient to determine the role of this variant in disease. Therefore, it has been classified as a Variant of Uncertain Significance. This sequence change replaces serine, which is neutral and polar, with phenylalanine, which is neutral and non-polar, at codon 100 of the SGSH protein (p.Ser100Phe). This variant is not present in population databases (gnomAD no frequency). This variant has not been reported in the literature in individuals affected with SGSH-related conditions. Advanced modeling of protein sequence and biophysical properties (such as structural, functional, and spatial information, amino acid conservation, physicochemical variation, residue mobility, and thermodynamic stability) performed at Invitae indicates that this missense variant is expected to disrupt SGSH protein function.

NM_000199.5(SGSH):c.299C>T (p.Ser100Phe)

Gene: SGSH (N-sulfoglucosamine sulfohydrolase; minus strand). Cytogenetic location: 17q25.3.
Variant type: single nucleotide variant.
Coding change: c.299C>T on transcript NM_000199.5 (MANE Select); coding-DNA position 299, C replaced by T.
Protein change: p.Ser100Phe; replaces serine 100 with phenylalanine.
Molecular consequence: missense variant.
Genome position (GRCh38, 1-based): chr17:80,215,089, G>A on the plus strand (C>T on the coding strand, the complement: SGSH is on the minus strand). VCF-style: chr17-80215089-G-A. GRCh37 (hg19) VCF-style: chr17-78188888-G-A.
Other names: c.299C>T, p.Ser100Phe (NM_001352921.3, NM_001352922.2); short protein forms S100F.
Identifiers: ClinVar variation 1501044 (VCV001501044.8), dbSNP rs2144754691, ClinGen allele CA401363777.